The following is an entry in ClinVar:

NM_000330.4(RS1):c.520C>T (p.Arg174Trp)

Genes: CDKL5 (cyclin dependent kinase like 5; plus strand), RS1 (retinoschisin 1; minus strand). Cytogenetic location: Xp22.13.
Variant type: single nucleotide variant.
Coding change: c.520C>T on transcript NM_000330.4 (MANE Select); coding-DNA position 520, C replaced by T.
Protein change: p.Arg174Trp; replaces arginine 174 with tryptophan.
Molecular consequence: missense variant. On other transcripts: intron variant (2).
Genome position (GRCh38, 1-based): chrX:18,644,432, G>A on the plus strand (C>T on the coding strand, the complement: RS1 is on the minus strand). VCF-style: chrX-18644432-G-A. GRCh37 (hg19) VCF-style: chrX-18662552-G-A.
Other names: c.2714-1575G>A (NM_003159.3, NM_001037343.2); short protein forms R174W.
Identifiers: ClinVar variation 3724071 (VCV003724071.3).

ClinVar aggregate classification (germline): Conflicting classifications of pathogenicity. Review status: criteria provided, conflicting classifications (1 of 4 stars). 2 submissions from 2 submitters: Likely pathogenic (1); Uncertain significance (1). Last evaluated 2024-06-28.

Conditions:
RS1-related disorder. Also called: RS1-related condition.

gnomAD v4.1: 3 of 1,209,000 alleles (0.00025%); highest among the groups gnomAD compares: Non-Finnish European, 0.00022%; no homozygotes.

Submissions (2):

Labcorp Genetics (formerly Invitae), Labcorp
Classification: Uncertain significance. Last evaluated: 2024-06-28. Review status: criteria provided, single submitter. Criteria: Invitae Variant Classification Sherloc (09022015). Collection method: clinical testing. Allele origin: germline.
Comment: This sequence change replaces arginine, which is basic and polar, with tryptophan, which is neutral and slightly polar, at codon 174 of the RS1 protein (p.Arg174Trp). This variant is not present in population databases (gnomAD no frequency). This missense change has been observed in individual(s) with retinal disease and/or retinoschisis (PMID: 25472526, 34645606). An algorithm developed to predict the effect of missense changes on protein structure and function (PolyPhen-2) suggests that this variant is likely to be disruptive. In summary, the available evidence is currently insufficient to determine the role of this variant in disease. Therefore, it has been classified as a Variant of Uncertain Significance.

Blueprint Genetics
Classification: Likely pathogenic for RS1-related disorders. Last evaluated: 2021-08-31. Review status: criteria provided, single submitter. Criteria: ACMG Guidelines, 2015. Collection method: clinical testing. Allele origin: germline. Affected: yes. Observed: 4 variant alleles.

Literature cited by the submitters: PubMed 25472526 (cited by Labcorp Genetics (formerly Invitae), Labcorp); PubMed 34645606 (cited by Labcorp Genetics (formerly Invitae), Labcorp).